The following is an entry in ClinVar:

NM_000208.4(INSR):c.3174G>A (p.Thr1058=)

Gene: INSR (insulin receptor; minus strand). Cytogenetic location: 19p13.2.
Variant type: single nucleotide variant.
Coding change: c.3174G>A on transcript NM_000208.4 (MANE Select); coding-DNA position 3174, G replaced by A.
Protein change: p.Thr1058=; no amino-acid change (threonine 1058 retained).
Molecular consequence: synonymous variant.
Genome position (GRCh38, 1-based): chr19:7,125,367, C>T on the plus strand (G>A on the coding strand, the complement: INSR is on the minus strand). VCF-style: chr19-7125367-C-T. GRCh37 (hg19) VCF-style: chr19-7125378-C-T.
Other names: c.3138G>A, p.Thr1046= (NM_001079817.3).
Identifiers: ClinVar variation 723728 (VCV000723728.9), dbSNP rs141582849, ClinGen allele CA9135344.
Genomic context (GRCh38, chr19:7,125,367, plus strand): 5'-CATGACCGAGGCCTCATTGAGGAACTCAATCCGCTCTCGGAGACTGGCTGACTCGTTGAC[C>T]GTCTTCACCGCCACGCGGGTCTCTGCCTCACCCTTGATGATGTCCCTGGCATTGCCCTCA-3'
Protein context (NP_000199.2, residues 1048-1068): GEAETRVAVK[Thr1058=]VNESASLRER

ClinVar aggregate classification (germline): Likely benign. Review status: criteria provided, multiple submitters, no conflicts (2 of 4 stars). 3 submissions from 3 submitters: Likely benign (2). 1 of the submissions does not count toward it. Last evaluated 2025-08-04.

Conditions:
INSR-related disorder.

Allele frequency attached by ClinVar (database versions not stated): gnomAD exomes 0.00007 and 0.00008; ExAC 0.00013; gnomAD 0.00014 and 0.00015; TOPMed 0.00016; ESP Exome Variant Server 0.00031.
gnomAD v4.1: 139 of 1,614,088 alleles (0.0086%); highest among the groups gnomAD compares: African/African-American, 0.036%; 2 homozygotes.

Submissions (3):

Labcorp Genetics (formerly Invitae), Labcorp
Classification: Likely benign. Last evaluated: 2025-08-04. Review status: criteria provided, single submitter. Criteria: Invitae Variant Classification Sherloc (09022015). Collection method: clinical testing. Allele origin: germline.

Breakthrough Genomics
Classification: Likely benign. Review status: criteria provided, single submitter. Criteria: ACMG Guidelines, 2015. Collection method: not provided. Allele origin: germline. Inheritance: Autosomal recessive inheritance. Affected: yes.

PreventionGenetics, part of Exact Sciences
Classification: Likely benign for INSR-related condition. Last evaluated: 2019-05-11. Review status: no assertion criteria provided. Collection method: clinical testing. Allele origin: germline. Not counted in ClinVar's aggregate classification.
Comment: This variant is classified as likely benign based on ACMG/AMP sequence variant interpretation guidelines (Richards et al. 2015 PMID: 25741868, with internal and published modifications).